The following is an entry in ClinVar:

ClinVar aggregate classification (germline): Uncertain significance (1 of 4 stars; one submission).

Conditions:
Inborn genetic diseases. Identifiers: MedGen C0950123, MeSH D030342.

Submission:

Ambry Genetics
Classification: Uncertain significance for Inborn genetic diseases. Last evaluated: 2025-04-13. Review status: criteria provided, single submitter. Criteria: Ambry Variant Classification Scheme 2023. Collection method: clinical testing. Allele origin: germline.
Comment: The p.F405L variant (also known as c.1215C>G), located in coding exon 5 of the SH2B3 gene, results from a C to G substitution at nucleotide position 1215. The phenylalanine at codon 405 is replaced by leucine, an amino acid with highly similar properties. This amino acid position is conserved. In addition, the in silico prediction for this alteration is inconclusive. Based on the available evidence, the clinical significance of this variant remains unclear.

NM_005475.3(SH2B3):c.1215C>G (p.Phe405Leu)

Gene: SH2B3 (SH2B adaptor protein 3; plus strand). Cytogenetic location: 12q24.12.
Variant type: single nucleotide variant.
Coding change: c.1215C>G on transcript NM_005475.3 (MANE Select); coding-DNA position 1215, C replaced by G.
Protein change: p.Phe405Leu; replaces phenylalanine 405 with leucine.
Molecular consequence: missense variant.
Genome position (GRCh38, 1-based): chr12:111,447,523, C>G. VCF-style: chr12-111447523-C-G. GRCh37 (hg19) VCF-style: chr12-111885327-C-G.
Other names: c.609C>G, p.Phe203Leu (NM_001291424.1); short protein forms F203L, F405L.
Identifiers: ClinVar variation 3953444 (VCV003953444.1).